The following is an entry in ClinVar:

NM_000548.5(TSC2):c.2662C>T (p.Leu888=)

Gene: TSC2 (TSC complex subunit 2; plus strand). Cytogenetic location: 16p13.3.
Variant type: single nucleotide variant.
Coding change: c.2662C>T on transcript NM_000548.5 (MANE Select); coding-DNA position 2662, C replaced by T.
Protein change: p.Leu888=; no amino-acid change (leucine 888 retained).
Molecular consequence: synonymous variant.
Genome position (GRCh38, 1-based): chr16:2,076,090, C>T. VCF-style: chr16-2076090-C-T. GRCh37 (hg19) VCF-style: chr16-2126091-C-T.
Other names: c.2662C>T, p.Leu888= (NM_001077183.3, NM_001114382.3, NM_001363528.2 and 3 more transcripts); c.2551C>T, p.Leu851= (NM_001318827.2); c.2515C>T, p.Leu839= (NM_001318829.2); c.2062C>T, p.Leu688= (NM_001318831.2); c.2695C>T, p.Leu899= (NM_001318832.2).
Identifiers: ClinVar variation 1082044 (VCV001082044.12), dbSNP rs765057258, ClinGen allele CA040839.

ClinVar aggregate classification (germline): Likely benign. Review status: criteria provided, multiple submitters, no conflicts (2 of 4 stars). 3 submissions from 3 submitters: Likely benign (3). Last evaluated 2024-06-24.

Conditions:
Tuberous sclerosis syndrome (TSC). Also called: Tuberous Sclerosis Complex; Tuberous sclerosis. Identifiers: Orphanet 805, MedGen C0041341, MONDO:0001734.
Hereditary cancer-predisposing syndrome. Also called: Neoplastic Syndromes, Hereditary; Hereditary neoplastic syndrome; Hereditary Cancer Syndrome; Tumor predisposition. Identifiers: Orphanet 140162, MedGen C0027672, MeSH D009386, MONDO:0015356.
Tuberous sclerosis 2 (TSC2). Identifiers: Orphanet 805, MedGen C1860707, MONDO:0013199, OMIM 613254.

Allele frequency attached by ClinVar (database versions not stated): gnomAD exomes 0.00001; ExAC 0.00002.
gnomAD v4.1: 7 of 1,614,016 alleles (0.00043%); highest among the groups gnomAD compares: East Asian, 0.0067%; no homozygotes.

Submissions (3):

Labcorp Genetics (formerly Invitae), Labcorp
Classification: Likely benign for Tuberous sclerosis 2. Last evaluated: 2024-06-24. Review status: criteria provided, single submitter. Criteria: Invitae Variant Classification Sherloc (09022015). Collection method: clinical testing. Allele origin: germline.

All of Us Research Program, National Institutes of Health
Classification: Likely benign for Tuberous sclerosis syndrome. Last evaluated: 2023-11-02. Review status: criteria provided, single submitter. Criteria: ACMG Guidelines, 2015. Collection method: clinical testing. Allele origin: germline. Inheritance: Autosomal dominant inheritance. Observed: 1 variant allele, 1 heterozygote.
Comment: This study involves interpretation of variants in research participants for the purpose of population health screening. Participant phenotype was not available at the time of variant classification. Additional details can be found in publication PMID: 35346344, PMCID: PMC8962531

Ambry Genetics
Classification: Likely benign for Hereditary cancer-predisposing syndrome. Last evaluated: 2022-05-11. Review status: criteria provided, single submitter. Criteria: Ambry Variant Classification Scheme 2023. Collection method: clinical testing. Allele origin: germline.